The following is an entry in ClinVar:

ClinVar aggregate classification (germline): Pathogenic (1 of 4 stars; one submission).

Conditions:
Microcephaly 5, primary, autosomal recessive (MCPH5). Also called: ASPM Primary Microcephaly. Identifiers: Orphanet 2512, MedGen C1837501, MONDO:0012106, OMIM 608716.

Submission:

3billion
Classification: Pathogenic for Microcephaly 5, primary, autosomal recessive. Last evaluated: 2024-11-21. Review status: criteria provided, single submitter. Criteria: ACMG Guidelines, 2015. Collection method: clinical testing. Allele origin: germline. Affected: yes.
Comment: The variant is observed at an extremely low frequency in the gnomAD v4.1.0 dataset (total allele frequency: <0.001%). Predicted Consequence/Location: Frameshift: predicted to result in a loss or disruption of normal protein function through nonsense-mediated decay (NMD) or protein truncation. Multiple pathogenic variants are reported downstream of the variant. The variant has been reported to be associated with ASPM related disorder (PMID: 36307859). Therefore, this variant is classified as Pathogenic according to the recommendation of ACMG/AMP guideline.

Literature cited by the submitters: PubMed 36307859.

NM_018136.5(ASPM):c.1761_1762del (p.Arg587fs)

Gene: ASPM (assembly factor for spindle microtubules; minus strand). Cytogenetic location: 1q31.3.
Variant type: Microsatellite.
Coding change: c.1761_1762del on transcript NM_018136.5 (MANE Select); coding-DNA positions 1761 to 1762, 2 bases deleted (AG; older notation c.1761_1762delAG).
Protein change: p.Arg587fs; shifts the reading frame from arginine 587.
Molecular consequence: frameshift variant.
Genome position (GRCh38, 1-based): chr1:197,142,490-197,142,491, CT deleted on the plus strand (AG on the coding strand, the reverse complement: ASPM is on the minus strand); deleting any 2 consecutive bases within chr1:197,142,490-197,142,494 gives the same sequence; the c. name uses the placement nearest the transcript's 3' end. VCF-style (leftmost placement, unchanged base first): chr1-197142489-ACT-A. GRCh37 (hg19) VCF-style: chr1-197111619-ACT-A.
Other names: c.1761_1762del, p.Arg587fs (NM_001206846.2); short protein forms R587fs.
Identifiers: ClinVar variation 4292869 (VCV004292869.1).
Genomic context (GRCh38, chr1:197,142,489, plus strand): 5'-TCTGAGGGAGAAAAATGGATTCTTTTGATTTCTCGCACTTCTGTATGTTCTGTAATTGCA[ACT>A]CTCACATTTGCATCTTCCATGCTTCCATCGCTCTTTCTTTTCCGAGCAACTGAAGCTGTT-3'